The following is an entry in ClinVar:

ClinVar aggregate classification (germline): Pathogenic/Likely pathogenic. Review status: criteria provided, multiple submitters, no conflicts (2 of 4 stars). 2 submissions from 2 submitters: Pathogenic (1); Likely pathogenic (1). Last evaluated 2025-07-09.

Conditions:
Metaphyseal chondrodysplasia, McKusick type (CHH). Also called: Cartilage-hair hypoplasia; Cartilage-Hair Hypoplasia (CHH). Identifiers: Orphanet 175, MedGen C0220748, MONDO:0009595, OMIM 250250.
Anauxetic dysplasia. Identifiers: Orphanet 93347, MedGen C1846796, MONDO:0011773.

Allele frequency attached by ClinVar (database versions not stated): gnomAD 0.00001.

Submissions (2):

Labcorp Genetics (formerly Invitae), Labcorp
Classification: Pathogenic for Anauxetic dysplasia. Last evaluated: 2025-07-09. Review status: criteria provided, single submitter. Criteria: Invitae Variant Classification Sherloc (09022015). Collection method: clinical testing. Allele origin: germline.
Comment: This variant occurs in the RMRP gene, which encodes an RNA molecule that does not result in a protein product. This variant is not present in population databases (gnomAD no frequency). While this particular variant has not been reported in the literature, it is located in the promoter region between the TATA box and the transcription initiation site, and other insertions and duplications immediately upstream of the coding sequence have been reported in individuals affected with cartilage-hair hypoplasia-anauxetic dysplasia (CHH-AD) spectrum disorders (PMID: 16244706, 11207361, 12107819). While functional studies for this variant have not been reported, experimental analyses using patient derived cells, as well as in vitro transfection studies, have shown that promoter insertions result in silencing of RMRP transcription and reduced expression of the gene product (PMID: 11207361, 16254002). For these reasons, this variant has been classified as Pathogenic.

Natera, Inc.
Classification: Likely pathogenic for Cartilage-hair hypoplasia. Last evaluated: 2025-04-11. Review status: criteria provided, single submitter. Criteria: Natera Variant Classification Schema (03/2026). Collection method: clinical testing. Allele origin: germline.
Comment: The n.-22_-17dup variant in RMRP is a duplication affecting the RMRP promoter region between the TATA box and the transcription initiation site. Other duplications and insertions just upstream of the transcription initiation site have been reported in individuals affected with cartilage-hair hypoplasia (PMID: 11207361, 17937437). This variant is rare in the general population with a frequency below the threshold expected for the associated phenotype(s). Given the available evidence, this variant is classified as Likely pathogenic.

Literature cited by the submitters: PubMed 16244706 (cited by Labcorp Genetics (formerly Invitae), Labcorp); PubMed 11207361 (cited by Labcorp Genetics (formerly Invitae), Labcorp and Natera, Inc.); PubMed 12107819 (cited by Labcorp Genetics (formerly Invitae), Labcorp); PubMed 16254002 (cited by Labcorp Genetics (formerly Invitae), Labcorp); PubMed 17937437 (cited by Natera, Inc.).

NR_003051.3(RMRP):n.-22_-17dup

Gene: RMRP (RNA component of mitochondrial RNA processing endoribonuclease; minus strand). Cytogenetic location: 9p13.3.
Variant type: Duplication.
Genome position: GRCh38 VCF-style: chr9-35658034-C-CAGAGTA. GRCh37 (hg19) VCF-style: chr9-35658031-C-CAGAGTA.
Identifiers: ClinVar variation 2718021 (VCV002718021.3), dbSNP rs2490604293, ClinGen allele CA2595210756.